The following is an entry in ClinVar:

NM_001378454.1(ALMS1):c.4154_4155del (p.Thr1385fs)

Gene: ALMS1 (ALMS1 centrosome and basal body associated protein; plus strand). Cytogenetic location: 2p13.1.
Variant type: Deletion.
Coding change: c.4154_4155del on transcript NM_001378454.1 (MANE Select); coding-DNA positions 4154 to 4155, 2 bases deleted (CA; older notation c.4154_4155delCA).
Protein change: p.Thr1385fs; shifts the reading frame from threonine 1385.
Molecular consequence: frameshift variant.
Genome position (GRCh38, 1-based): chr2:73,450,681-73,450,682, CA deleted; deleting any 2 consecutive bases within chr2:73,450,680-73,450,682 gives the same sequence; the c. name uses the placement nearest the transcript's 3' end. VCF-style (leftmost placement, unchanged base first): chr2-73450679-TAC-T. GRCh37 (hg19) VCF-style: chr2-73677806-TAC-T.
Other names: c.4157_4158del, p.Thr1386fs (NM_015120.4); short protein forms T1385fs, T1386fs.
Identifiers: ClinVar variation 4815786 (VCV004815786.1).

ClinVar aggregate classification (germline): Likely pathogenic (1 of 4 stars; one submission).

Conditions:
Alstrom syndrome (ALMS). Identifiers: Orphanet 64, MedGen C0268425, MONDO:0008763, OMIM 203800.

Submission:

Natera, Inc.
Classification: Likely pathogenic for Alstrom syndrome. Last evaluated: 2024-09-08. Review status: criteria provided, single submitter. Criteria: Natera Variant Classification Schema (03/2026). Collection method: clinical testing. Allele origin: germline.
Comment: The c.4157_4158del variant in ALMS1 is a frameshift variant predicted to shift the reading frame beginning at codon 1386 and leads to a stop codon 14 codons downstream. This variant is expected to result in nonsense mediated decay, truncation, or a dysfunctional protein product. This variant is rare in the general population with a frequency below the threshold expected for the associated phenotype(s). Given the available evidence, this variant is classified as Likely Pathogenic.